The following is an entry in ClinVar:

NM_001134363.3(RBM20):c.3557A>G (p.His1186Arg)

Gene: RBM20 (RNA binding motif protein 20; plus strand). Cytogenetic location: 10q25.2.
Variant type: single nucleotide variant.
Coding change: c.3557A>G on transcript NM_001134363.3 (MANE Select); coding-DNA position 3557, A replaced by G.
Protein change: p.His1186Arg; replaces histidine 1186 with arginine.
Molecular consequence: missense variant.
Genome position (GRCh38, 1-based): chr10:110,831,166, A>G. VCF-style: chr10-110831166-A-G. GRCh37 (hg19) VCF-style: chr10-112590924-A-G.
Other names: short protein forms H1186R.
Identifiers: ClinVar variation 1017987 (VCV001017987.10), dbSNP rs1845047234, ClinGen allele CA378386754.

ClinVar aggregate classification (germline): Uncertain significance. Review status: criteria provided, multiple submitters, no conflicts (2 of 4 stars). 3 submissions from 3 submitters: Uncertain significance (3). Last evaluated 2024-10-14.

Conditions:
Cardiovascular phenotype. Identifiers: MedGen CN230736.
Dilated cardiomyopathy 1DD (CMD1DD). Identifiers: Orphanet 154, MedGen C2750995, MONDO:0013168, OMIM 613172.

Allele frequency attached by ClinVar (database versions not stated): gnomAD exomes 0.00001.
gnomAD v4.1: 13 of 1,551,266 alleles (0.00084%); highest among the groups gnomAD compares: Non-Finnish European, 0.0011%; no homozygotes.

Submissions (3):

Labcorp Genetics (formerly Invitae), Labcorp
Classification: Uncertain significance for Dilated cardiomyopathy 1DD. Last evaluated: 2024-10-14. Review status: criteria provided, single submitter. Criteria: Invitae Variant Classification Sherloc (09022015). Collection method: clinical testing. Allele origin: germline.
Comment: This sequence change replaces histidine, which is basic and polar, with arginine, which is basic and polar, at codon 1186 of the RBM20 protein (p.His1186Arg). This variant is not present in population databases (gnomAD no frequency). This missense change has been observed in individual(s) with dilated cardiomyopathy (PMID: 29892087). ClinVar contains an entry for this variant (Variation ID: 1017987). Invitae Evidence Modeling of protein sequence and biophysical properties (such as structural, functional, and spatial information, amino acid conservation, physicochemical variation, residue mobility, and thermodynamic stability) has been performed for this missense variant. However, the output from this modeling did not meet the statistical confidence thresholds required to predict the impact of this variant on RBM20 protein function. In summary, the available evidence is currently insufficient to determine the role of this variant in disease. Therefore, it has been classified as a Variant of Uncertain Significance.

GeneDx
Classification: Uncertain significance. Last evaluated: 2023-11-17. Review status: criteria provided, single submitter. Criteria: GeneDx Variant Classification Process June 2021. Collection method: clinical testing. Allele origin: germline. Affected: yes.
Comment: Observed in an individual with DCM (PMID: 29892087); Not observed at significant frequency in large population cohorts (gnomAD); In silico analysis supports that this missense variant has a deleterious effect on protein structure/function; This variant is associated with the following publications: (PMID: 29892087)

Ambry Genetics
Classification: Uncertain significance for Cardiovascular phenotype. Last evaluated: 2022-01-07. Review status: criteria provided, single submitter. Criteria: Ambry Variant Classification Scheme 2023. Collection method: clinical testing. Allele origin: germline.
Comment: The p.H1186R variant (also known as c.3557A>G), located in coding exon 13 of the RBM20 gene, results from an A to G substitution at nucleotide position 3557. The histidine at codon 1186 is replaced by arginine, an amino acid with highly similar properties. This alteration has been reported in a dilated cardiomyopathy (DCM) cohort (Horvat C et al. Genet Med, 2019 01;21:133-143). This amino acid position is highly conserved in available vertebrate species. In addition, this alteration is predicted to be deleterious by in silico analysis. Since supporting evidence is limited at this time, the clinical significance of this alteration remains unclear.

Literature cited by the submitters: PubMed 29892087 (cited by Labcorp Genetics (formerly Invitae), Labcorp and Ambry Genetics).